The following is an entry in ClinVar:

NM_198578.4(LRRK2):c.538G>A (p.Gly180Arg)

Gene: LRRK2 (leucine rich repeat kinase 2; plus strand). Cytogenetic location: 12q12.
Variant type: single nucleotide variant.
Coding change: c.538G>A on transcript NM_198578.4 (MANE Select); coding-DNA position 538, G replaced by A.
Protein change: p.Gly180Arg; replaces glycine 180 with arginine.
Molecular consequence: missense variant.
Genome position (GRCh38, 1-based): chr12:40,238,070, G>A. VCF-style: chr12-40238070-G-A. GRCh37 (hg19) VCF-style: chr12-40631872-G-A.
Other names: short protein forms G180R.
Identifiers: ClinVar variation 1747223 (VCV001747223.2), dbSNP rs2499420183, ClinGen allele CA384404182.

ClinVar aggregate classification (germline): Uncertain significance (1 of 4 stars; one submission).

Conditions:
Inborn genetic diseases. Identifiers: MedGen C0950123, MeSH D030342.

Submission:

Ambry Genetics
Classification: Uncertain significance for Inborn genetic diseases. Last evaluated: 2021-07-12. Review status: criteria provided, single submitter. Criteria: Ambry Variant Classification Scheme 2023. Collection method: clinical testing. Allele origin: germline.
Comment: The p.G180R variant (also known as c.538G>A), located in coding exon 5 of the LRRK2 gene, results from a G to A substitution at nucleotide position 538. The glycine at codon 180 is replaced by arginine, an amino acid with dissimilar properties. This amino acid position is conserved. In addition, the in silico prediction for this alteration is inconclusive. Since supporting evidence is limited at this time, the clinical significance of this alteration remains unclear.